The following is an entry in ClinVar:

NM_002691.4(POLD1):c.2326C>T (p.Arg776Trp)

Gene: POLD1 (DNA polymerase delta 1, catalytic subunit; plus strand). Cytogenetic location: 19q13.33.
Variant type: single nucleotide variant.
Coding change: c.2326C>T on transcript NM_002691.4 (MANE Select); coding-DNA position 2326, C replaced by T.
Protein change: p.Arg776Trp; replaces arginine 776 with tryptophan.
Molecular consequence: missense variant. On other transcripts: non-coding transcript variant (1).
Genome position (GRCh38, 1-based): chr19:50,413,817, C>T. VCF-style: chr19-50413817-C-T. GRCh37 (hg19) VCF-style: chr19-50917074-C-T.
Other names: c.2326C>T, p.Arg776Trp (NM_001256849.1); c.2404C>T, p.Arg802Trp (NM_001308632.1); short protein forms R776W, R802W.
Identifiers: ClinVar variation 239284 (VCV000239284.28), dbSNP rs780138978, ClinGen allele CA9596483.

ClinVar aggregate classification (germline): Uncertain significance. Review status: criteria provided, multiple submitters, no conflicts (2 of 4 stars). 8 submissions from 8 submitters: Uncertain significance (7). 1 of the submissions does not count toward it. Last evaluated 2026-01-28.

Conditions:
POLD1-related polyposis and colorectal cancer syndrome (CRCS10). Also called: COLORECTAL CANCER, SUSCEPTIBILITY TO, ON CHROMOSOME 19q; Colorectal cancer 10; Colorectal cancer, susceptibility to, 10. Identifiers: Orphanet 220460, MedGen C2675481, MONDO:0012953, OMIM 612591.
Hereditary cancer-predisposing syndrome. Also called: Hereditary Cancer Syndrome; Neoplastic Syndromes, Hereditary; Hereditary neoplastic syndrome; Tumor predisposition. Identifiers: Orphanet 140162, MedGen C0027672, MeSH D009386, MONDO:0015356.

Allele frequency attached by ClinVar (database versions not stated): TOPMed 0.00005; gnomAD 0.00006 and 0.00007; gnomAD exomes 0.00006 and 0.00008; ExAC 0.00007.
gnomAD v4.1: 97 of 1,612,006 alleles (0.006%); highest among the groups gnomAD compares: Non-Finnish European, 0.0068%; no homozygotes.

Submissions (8):

Labcorp Genetics (formerly Invitae), Labcorp
Classification: Uncertain significance for POLD1-related polyposis and colorectal cancer syndrome. Last evaluated: 2026-01-28. Review status: criteria provided, single submitter. Criteria: Invitae Variant Classification Sherloc (09022015). Collection method: clinical testing. Allele origin: germline.
Comment: This sequence change replaces arginine, which is basic and polar, with tryptophan, which is neutral and slightly polar, at codon 776 of the POLD1 protein (p.Arg776Trp). This variant is present in population databases (rs780138978, gnomAD 0.01%). This variant has not been reported in the literature in individuals affected with POLD1-related conditions. ClinVar contains an entry for this variant (Variation ID: 239284). Invitae Evidence Modeling of protein sequence and biophysical properties (such as structural, functional, and spatial information, amino acid conservation, physicochemical variation, residue mobility, and thermodynamic stability) indicates that this missense variant is not expected to disrupt POLD1 protein function with a negative predictive value of 80%. In summary, the available evidence is currently insufficient to determine the role of this variant in disease. Therefore, it has been classified as a Variant of Uncertain Significance.

St. Jude Molecular Pathology, St. Jude Children's Research Hospital
Classification: Uncertain significance for POLD1-related polyposis and colorectal cancer syndrome. Last evaluated: 2025-06-17. Review status: criteria provided, single submitter. Criteria: St. Jude Assertion Criteria 2020. Collection method: clinical testing. Allele origin: germline.
Comment: The POLD1 c.2326C>T p.(Arg776Trp) missense change has a maximum subpopulation frequency of 0.01% in gnomAD v2.1.1. The in silico tool REVEL predicts a benign effect on protein function, but to our knowledge this prediction has not been confirmed by functional studies. To our knowledge, this variant has not been reported in individuals with POLD1-related disease. In summary, the evidence currently available is insufficient to determine the clinical significance of this variant. It has therefore been classified as of uncertain significance.

Women's Health and Genetics/Laboratory Corporation of America, LabCorp
Classification: Uncertain significance. Last evaluated: 2025-04-01. Review status: criteria provided, single submitter. Criteria: LabCorp Variant Classification Summary - May 2015. Collection method: clinical testing. Allele origin: germline.
Comment: Variant summary: POLD1 c.2326C>T (p.Arg776Trp) results in a non-conservative amino acid change located in the DNA-directed DNA polymerase, family B, multifunctional domain of the encoded protein sequence. Three of five in-silico tools predict a damaging effect of the variant on protein function. The variant allele was found at a frequency of 7.6e-05 in 248910 control chromosomes (gnomAD). The observed variant frequency is approximately 5 - fold of the estimated maximal expected allele frequency for a pathogenic variant in POLD1 causing Colorectal Cancer phenotype (1.4e-05). c.2326C>T has been reported in the literature in control individuals (Arora_2015) and in breast tumor tissue (Doisy_2018). These report(s) do not provide unequivocal conclusions about association of the variant with Colorectal Cancer. To our knowledge, no experimental evidence demonstrating an impact on protein function has been reported. The following publications have been ascertained in the context of this evaluation (PMID: 26344056, 29917049). ClinVar contains an entry for this variant (Variation ID: 239284). Based on the evidence outlined above, the variant was classified as VUS-possibly benign.

GeneDx
Classification: Uncertain significance. Last evaluated: 2025-02-07. Review status: criteria provided, single submitter. Criteria: GeneDx Variant Classification Process June 2021. Collection method: clinical testing. Allele origin: germline. Affected: yes.
Comment: In silico analysis supports that this missense variant has a deleterious effect on protein structure/function; Observed in a control individual reporting no personal or family history of colorectal cancer (PMID: 26344056); This variant is associated with the following publications: (PMID: 29917049, 31422818, 20951805, 26344056)

Ambry Genetics
Classification: Uncertain significance for Hereditary cancer-predisposing syndrome. Last evaluated: 2024-12-10. Review status: criteria provided, single submitter. Criteria: Ambry Variant Classification Scheme 2023. Collection method: clinical testing. Allele origin: germline.
Comment: The p.R776W variant (also known as c.2326C>T), located in coding exon 18 of the POLD1 gene, results from a C to T substitution at nucleotide position 2326. The arginine at codon 776 is replaced by tryptophan, an amino acid with dissimilar properties. This amino acid position is highly conserved in available vertebrate species. In addition, this alteration is predicted to be tolerated by in silico analysis. Based on the available evidence, the clinical significance of this variant remains unclear.

Blueprint Genetics
Classification: Uncertain significance. Last evaluated: 2024-09-23. Review status: criteria provided, single submitter. Criteria: ACMG Guidelines, 2015. Collection method: clinical testing. Allele origin: germline.

Laboratory for Molecular Medicine, Mass General Brigham Personalized Medicine
Classification: Uncertain significance. Last evaluated: 2016-11-15. Review status: criteria provided, single submitter. Criteria: LMM Criteria. Collection method: clinical testing. Allele origin: germline. Observed: 1 variant allele.
Comment: The p.Arg776Trp variant in POLD1 has not been previously reported in individuals with colorectal cancer but has been identified in 1/6594 of Finnish chromosomes by the Exome Aggregation Consortium (ExAC; dbSN P rs780138978). Computational prediction tools and conservation analysis do not provide strong support for or against an impact to the protein. In summary, the clinical significance of the p.Arg776Trp variant is uncertain.

True Health Diagnostics
Classification: Uncertain significance for Hereditary cancer-predisposing syndrome. Last evaluated: 2017-08-14. Review status: no assertion criteria provided. Collection method: clinical testing. Allele origin: germline. Not counted in ClinVar's aggregate classification.

Literature cited by the submitters: PubMed 26344056 (cited by Women's Health and Genetics/Laboratory Corporation of America, LabCorp); PubMed 29917049 (cited by Women's Health and Genetics/Laboratory Corporation of America, LabCorp).